The following is an entry in ClinVar:

ClinVar aggregate classification (germline): Uncertain significance (1 of 4 stars; one submission).

gnomAD v4.1: 10 of 1,613,296 alleles (0.00062%); highest among the groups gnomAD compares: African/African-American, 0.013%; no homozygotes.

Submission:

GeneDx
Classification: Uncertain significance. Last evaluated: 2026-03-17. Review status: criteria provided, single submitter. Criteria: GeneDx Variant Classification Process June 2021. Collection method: clinical testing. Allele origin: germline.
Comment: Not observed at significant frequency in large population cohorts (gnomAD); Missense variant in a gene in which most reported pathogenic variants are truncating/loss of function; Has not been previously published as pathogenic or benign to our knowledge

NM_001267550.2(TTN):c.88831G>T (p.Val29611Leu)

Genes: TTN (titin; minus strand), TTN-AS1 (TTN antisense RNA 1; plus strand). Cytogenetic location: 2q31.2.
Variant type: single nucleotide variant.
Coding change: c.88831G>T on transcript NM_001267550.2 (MANE Select); coding-DNA position 88831, G replaced by T.
Protein change: p.Val29611Leu; replaces valine 29611 with leucine.
Molecular consequence: missense variant.
Genome position (GRCh38, 1-based): chr2:178,554,516, C>A on the plus strand (G>T on the coding strand, the complement: TTN is on the minus strand). VCF-style: chr2-178554516-C-A. GRCh37 (hg19) VCF-style: chr2-179419243-C-A.
Other names: c.83908G>T, p.Val27970Leu (NM_001256850.1); c.61636G>T, p.Val20546Leu (NM_003319.4); c.81127G>T, p.Val27043Leu (NM_133378.4); c.62011G>T, p.Val20671Leu (NM_133432.3); c.62212G>T, p.Val20738Leu (NM_133437.4); short protein forms V20546L, V20671L, V20738L, V27043L, V27970L, V29611L.
Identifiers: ClinVar variation 3900837 (VCV003900837.2).